The following is an entry in ClinVar:

NM_000085.5(CLCNKB):c.416T>G (p.Leu139Arg)

Genes: CLCNKB (chloride voltage-gated channel Kb; plus strand), LOC106501713 (CLCNKB recombination region; plus strand). Cytogenetic location: 1p36.13.
Variant type: single nucleotide variant.
Coding change: c.416T>G on transcript NM_000085.5 (MANE Select); coding-DNA position 416, T replaced by G.
Protein change: p.Leu139Arg; replaces leucine 139 with arginine.
Molecular consequence: missense variant.
Genome position (GRCh38, 1-based): chr1:16,047,962, T>G. VCF-style: chr1-16047962-T-G. GRCh37 (hg19) VCF-style: chr1-16374457-T-G.
Other names: short protein forms L139R.
Identifiers: ClinVar variation 2977675 (VCV002977675.3), dbSNP rs768504571, ClinGen allele CA623309.
Genomic context (GRCh38, chr1:16,047,962, plus strand): 5'-AAGGTTCTGGAATCCCGGAGGTGAAGACCATGTTGGCGGGTGTGGTCTTGGAGGACTACC[T>G]GGATATCAAGAACTTTGGGGCCAAAGTGGTGGGCCTCTCCTGCACCCTGGCCTGTGGCAG-3'
Protein context (NP_000076.2, residues 129-149): MLAGVVLEDY[Leu139Arg]DIKNFGAKVV

ClinVar aggregate classification (germline): Uncertain significance. Review status: criteria provided, multiple submitters, no conflicts (2 of 4 stars). 2 submissions from 2 submitters: Uncertain significance (2). Last evaluated 2024-04-03.

Conditions:
Bartter disease type 3. Also called: Bartter syndrome type 3. Identifiers: Orphanet 112, Orphanet 93605, MedGen C1846343, MONDO:0011822, OMIM 607364.
Bartter disease type 4B. Also called: Bartter syndrome, type 4b, digenic; BARTTER SYNDROME, TYPE 4B, NEONATAL, WITH SENSORINEURAL DEAFNESS; BARTTER SYNDROME, TYPE 4B. Identifiers: Orphanet 112, MedGen C4310805, MONDO:0000909, OMIM 613090.

Allele frequency attached by ClinVar (database versions not stated): gnomAD exomes below 0.00001; ExAC 0.00002.
gnomAD v4.1: 2 of 1,614,088 alleles (0.00012%); highest among the groups gnomAD compares: Admixed American, 0.0033%; no homozygotes.

Submissions (2):

Fulgent Genetics
Classification: Uncertain significance for Bartter disease type 3; Bartter disease type 4B. Last evaluated: 2024-04-03. Review status: criteria provided, single submitter. Criteria: ACMG Guidelines, 2015. Collection method: clinical testing. Allele origin: germline.

Labcorp Genetics (formerly Invitae), Labcorp
Classification: Uncertain significance. Last evaluated: 2023-12-26. Review status: criteria provided, single submitter. Criteria: Invitae Variant Classification Sherloc (09022015). Collection method: clinical testing. Allele origin: germline.
Comment: This sequence change replaces leucine, which is neutral and non-polar, with arginine, which is basic and polar, at codon 139 of the CLCNKB protein (p.Leu139Arg). This variant is present in population databases (rs768504571, gnomAD 0.006%). This variant has not been reported in the literature in individuals affected with CLCNKB-related conditions. Advanced modeling of protein sequence and biophysical properties (such as structural, functional, and spatial information, amino acid conservation, physicochemical variation, residue mobility, and thermodynamic stability) performed at Invitae indicates that this missense variant is expected to disrupt CLCNKB protein function with a positive predictive value of 80%. In summary, the available evidence is currently insufficient to determine the role of this variant in disease. Therefore, it has been classified as a Variant of Uncertain Significance.